The following is an entry in ClinVar:

ClinVar aggregate classification (germline): Uncertain significance (1 of 4 stars; one submission).

Conditions:
Methylmalonic aciduria and homocystinuria type cblF. Also called: COBALAMIN F DISEASE; COBALAMIN, DEFECT IN LYSOSOMAL RELEASE OF; METHYLMALONIC ACIDEMIA AND HOMOCYSTINURIA, cblF TYPE; METHYLMALONIC ACIDURIA DUE TO VITAMIN B12-RELEASE DEFECT; VITAMIN B12 LYSOSOMAL RELEASE DEFECT; VITAMIN B12 STORAGE DISEASE. Identifiers: Orphanet 79284, MedGen C1848578, MONDO:0010183, OMIM 277380.

gnomAD v4.1: 1 of 1,608,394 alleles (0.000062%); no homozygotes.

Submission:

Labcorp Genetics (formerly Invitae), Labcorp
Classification: Uncertain significance for Methylmalonic aciduria and homocystinuria type cblF. Last evaluated: 2022-02-23. Review status: criteria provided, single submitter. Criteria: Invitae Variant Classification Sherloc (09022015). Collection method: clinical testing. Allele origin: germline.
Comment: Algorithms developed to predict the effect of missense changes on protein structure and function are either unavailable or do not agree on the potential impact of this missense change (SIFT: "Deleterious"; PolyPhen-2: "Benign"; Align-GVGD: "Class C0"). In summary, the available evidence is currently insufficient to determine the role of this variant in disease. Therefore, it has been classified as a Variant of Uncertain Significance. This variant has not been reported in the literature in individuals affected with LMBRD1-related conditions. This sequence change replaces threonine, which is neutral and polar, with proline, which is neutral and non-polar, at codon 135 of the LMBRD1 protein (p.Thr135Pro). This variant is not present in population databases (gnomAD no frequency).

NM_018368.4(LMBRD1):c.403A>C (p.Thr135Pro)

Gene: LMBRD1 (LMBR1 domain containing 1; minus strand). Cytogenetic location: 6q13.
Variant type: single nucleotide variant.
Coding change: c.403A>C on transcript NM_018368.4 (MANE Select); coding-DNA position 403, A replaced by C.
Protein change: p.Thr135Pro; replaces threonine 135 with proline.
Molecular consequence: missense variant.
Genome position (GRCh38, 1-based): chr6:69,752,261, T>G on the plus strand (A>C on the coding strand, the complement: LMBRD1 is on the minus strand). VCF-style: chr6-69752261-T-G. GRCh37 (hg19) VCF-style: chr6-70462153-T-G.
Other names: c.184A>C, p.Thr62Pro (NM_001363722.2, NM_001367271.1, NM_001367272.1); short protein forms T62P, T135P.
Identifiers: ClinVar variation 1988191 (VCV001988191.4), dbSNP rs2481410923, ClinGen allele CA364801991.